The following is an entry in ClinVar:

ClinVar aggregate classification (germline): Likely pathogenic (1 of 4 stars; one submission).

Conditions:
Cohen syndrome (COH1). Also called: PEPPER SYNDROME; Cutis verticis gyrata, retinitis pigmentosa, and sensorineural deafness. Identifiers: Orphanet 193, MedGen C0265223, MONDO:0008999, OMIM 216550.

Submission:

Natera, Inc.
Classification: Likely pathogenic for Cohen syndrome. Last evaluated: 2025-02-28. Review status: criteria provided, single submitter. Criteria: Natera Variant Classification Schema (03/2026). Collection method: clinical testing. Allele origin: germline.
Comment: The c.1350del variant in VPS13B is a frameshift variant predicted to shift the reading frame beginning at codon 451 and leads to a stop codon 20 codons downstream. This variant is expected to result in nonsense mediated decay, truncation, or a dysfunctional protein product. This variant is rare in the general population with a frequency below the threshold expected for the associated phenotype(s). Given the available evidence, this variant is classified as Likely Pathogenic.

NM_152564.5(VPS13B):c.1350del (p.Gly451fs)

Gene: VPS13B (vacuolar protein sorting 13 homolog B; plus strand). Cytogenetic location: 8q22.2.
Variant type: Deletion.
Coding change: c.1350del on transcript NM_152564.5 (MANE Select); coding-DNA position 1350, one base deleted (T; older notation c.1350delT).
Protein change: p.Gly451fs; shifts the reading frame from glycine 451.
Molecular consequence: frameshift variant.
Genome position (GRCh38, 1-based): chr8:99,135,062, T deleted; the last of 2 consecutive T bases (chr8:99,135,061-99,135,062); deleting either gives the same sequence. VCF-style (leftmost placement, unchanged base first): chr8-99135060-GT-G. GRCh37 (hg19) VCF-style: chr8-100147288-GT-G.
Other names: c.1350del, p.Gly451fs (NM_017890.5, NM_015243.3); c.1350delT, p.Gly451Valfs (NM_017890.4); short protein forms G451fs.
Identifiers: ClinVar variation 4063207 (VCV004063207.2).